The following is an entry in ClinVar:

ClinVar aggregate classification (germline): Uncertain significance (1 of 4 stars; one submission).

Submission:

Labcorp Genetics (formerly Invitae), Labcorp
Classification: Uncertain significance. Last evaluated: 2024-10-07. Review status: criteria provided, single submitter. Criteria: Invitae Variant Classification Sherloc (09022015). Collection method: clinical testing. Allele origin: germline.
Comment: This sequence change replaces glycine, which is neutral and non-polar, with aspartic acid, which is acidic and polar, at codon 457 of the SCP2 protein (p.Gly457Asp). This variant is not present in population databases (gnomAD no frequency). This variant has not been reported in the literature in individuals affected with SCP2-related conditions. ClinVar contains an entry for this variant (Variation ID: 1509747). An algorithm developed to predict the effect of missense changes on protein structure and function (PolyPhen-2) suggests that this variant is likely to be disruptive. In summary, the available evidence is currently insufficient to determine the role of this variant in disease. Therefore, it has been classified as a Variant of Uncertain Significance.

NM_002979.5(SCP2):c.1370G>A (p.Gly457Asp)

Gene: SCP2 (sterol carrier protein 2; plus strand). Cytogenetic location: 1p32.3.
Variant type: single nucleotide variant.
Coding change: c.1370G>A on transcript NM_002979.5 (MANE Select); coding-DNA position 1370, G replaced by A.
Protein change: p.Gly457Asp; replaces glycine 457 with aspartic acid.
Molecular consequence: missense variant. On other transcripts: intron variant (1).
Genome position (GRCh38, 1-based): chr1:53,038,948, G>A. VCF-style: chr1-53038948-G-A. GRCh37 (hg19) VCF-style: chr1-53504620-G-A.
Other names: c.158G>A, p.Gly53Asp (NM_001007099.3); c.149G>A, p.Gly50Asp (NM_001007100.3); c.1298G>A, p.Gly433Asp (NM_001193599.2); c.1238G>A, p.Gly413Asp (NM_001193600.2); c.1127G>A, p.Gly376Asp (NM_001193617.2); c.127-8910G>A (NM_001007250.3); short protein forms G457D, G50D, G376D, G433D, G413D, G53D.
Identifiers: ClinVar variation 1509747 (VCV001509747.5), dbSNP rs2150263421, ClinGen allele CA340379228.